The following is an entry in ClinVar:

NM_000287.4(PEX6):c.1940_1941delinsAT (p.Cys647Tyr)

Gene: PEX6 (peroxisomal biogenesis factor 6; minus strand). Cytogenetic location: 6p21.1.
Variant type: Indel.
Coding change: c.1940_1941delinsAT on transcript NM_000287.4 (MANE Select); coding-DNA positions 1940 to 1941, GC replaced by AT.
Protein change: p.Cys647Tyr; replaces cysteine 647 with tyrosine.
Molecular consequence: missense variant. On other transcripts: non-coding transcript variant (1).
Genome position (GRCh38, 1-based): chr6:42,966,802-42,966,803, GC replaced by AT on the plus strand (GC replaced by AT on the coding strand, the reverse complement: PEX6 is on the minus strand). VCF-style: chr6-42966802-GC-AT. GRCh37 (hg19) VCF-style: chr6-42934540-GC-AT.
Other names: c.1676_1677delinsAT, p.Cys559Tyr (NM_001316313.2); short protein forms C559Y, C647Y.
Identifiers: ClinVar variation 1426346 (VCV001426346.8), dbSNP rs2114240908, ClinGen allele CA2573140754.

ClinVar aggregate classification (germline): Uncertain significance (1 of 4 stars; one submission).

Conditions:
Peroxisome biogenesis disorder. Identifiers: Orphanet 79189, MedGen C1832200, MONDO:0019234. Disease mechanism: loss of function.

Submission:

Labcorp Genetics (formerly Invitae), Labcorp
Classification: Uncertain significance for Peroxisome biogenesis disorder. Last evaluated: 2026-01-05. Review status: criteria provided, single submitter. Criteria: Invitae Variant Classification Sherloc (09022015). Collection method: clinical testing. Allele origin: germline.
Comment: This sequence change replaces cysteine, which is neutral and slightly polar, with tyrosine, which is neutral and polar, at codon 647 of the PEX6 protein (p.Cys647Tyr). Information on the frequency of this variant in the gnomAD database is not available, as this variant may be reported differently in the database. This variant has not been reported in the literature in individuals affected with PEX6-related conditions. ClinVar contains an entry for this variant (Variation ID: 1426346). An algorithm developed to predict the effect of missense changes on protein structure and function (PolyPhen-2) suggests that this variant is likely to be tolerated. In summary, the available evidence is currently insufficient to determine the role of this variant in disease. Therefore, it has been classified as a Variant of Uncertain Significance.